The following is an entry in ClinVar:

NM_030957.4(ADAMTS10):c.174_213del (p.Pro60fs)

Gene: ADAMTS10 (ADAM metallopeptidase with thrombospondin type 1 motif 10; minus strand). Cytogenetic location: 19p13.2.
Variant type: Deletion.
Coding change: c.174_213del on transcript NM_030957.4 (MANE Select); coding-DNA positions 174 to 213, 40 bases deleted.
Protein change: p.Pro60fs; shifts the reading frame from proline 60.
Molecular consequence: frameshift variant.
Genome position (GRCh38, 1-based): chr19:8,605,234-8,605,273, 40 bases deleted. GRCh37 (hg19): chr19:8,670,119-8,670,158.
Other names: short protein forms P60fs.
Identifiers: ClinVar variation 3776263 (VCV003776263.1).
Genomic context (GRCh38, chr19:8,605,233, plus strand): 5'-TCAGGTTCAGCAGGAAGTGGGTGCTGGGCGAGGCCACTTTGTAGAAGAGGCGGGACTCGG[CTGTGGCCCCCGTGCCGCGGCGCTGCCTCCGGGGAGGAGGT>C]GGCGAGAAGGCCAGCAGTGCCCCGTTGTGGTCCACGCGGGTGGGGAAGGCGATCTCATAG-3'

ClinVar aggregate classification (germline): Pathogenic (1 of 4 stars; one submission).

Conditions:
Weill-Marchesani syndrome 1 (WMS1). Also called: Weill-Marchesani Syndrome, Autosomal Recessive; Weill-Marchesani syndrome 1, recessive; ADAMTS10-Related Weill-Marchesani Syndrome. Identifiers: Orphanet 3449, MedGen C4552002, MONDO:0010194, OMIM 277600.

Submission:

3billion
Classification: Pathogenic for Weill-Marchesani syndrome 1. Last evaluated: 2023-08-18. Review status: criteria provided, single submitter. Criteria: ACMG Guidelines, 2015. Collection method: clinical testing. Allele origin: germline. Affected: yes.
Comment: The variant is not observed in the gnomAD v2.1.1 dataset. Predicted Consequence/Location: Frameshift: predicted to result in a loss or disruption of normal protein function through nonsense-mediated decay (NMD) or protein truncation. Multiple pathogenic variants are reported downstream of the variant. Therefore, this variant is classified as Pathogenic according to the recommendation of ACMG/AMP guideline.